The following is an entry in ClinVar:

NM_002691.4(POLD1):c.3038T>C (p.Ile1013Thr)

Gene: POLD1 (DNA polymerase delta 1, catalytic subunit; plus strand). Cytogenetic location: 19q13.33.
Variant type: single nucleotide variant.
Coding change: c.3038T>C on transcript NM_002691.4 (MANE Select); coding-DNA position 3038, T replaced by C.
Protein change: p.Ile1013Thr; replaces isoleucine 1013 with threonine.
Molecular consequence: missense variant. On other transcripts: non-coding transcript variant (1).
Genome position (GRCh38, 1-based): chr19:50,416,694, T>C. VCF-style: chr19-50416694-T-C. GRCh37 (hg19) VCF-style: chr19-50919951-T-C.
Other names: c.3038T>C, p.Ile1013Thr (NM_001256849.1); c.3116T>C, p.Ile1039Thr (NM_001308632.1); c.3038T>C (NM_002691.2); short protein forms I1039T, I1013T.
Identifiers: ClinVar variation 469322 (VCV000469322.16), dbSNP rs368439344, ClinGen allele CA9596732.

ClinVar aggregate classification (germline): Uncertain significance. Review status: criteria provided, multiple submitters, no conflicts (2 of 4 stars). 6 submissions from 6 submitters: Uncertain significance (6). Last evaluated 2026-01-06.

Conditions:
Hereditary cancer-predisposing syndrome. Also called: Neoplastic Syndromes, Hereditary; Hereditary neoplastic syndrome; Tumor predisposition; Hereditary Cancer Syndrome. Identifiers: Orphanet 140162, MedGen C0027672, MeSH D009386, MONDO:0015356.
Mandibular hypoplasia-deafness-progeroid syndrome. Also called: Mandibular hypoplasia, deafness, progeroid features, and lipodystrophy syndrome. Identifiers: Orphanet 363649, MedGen C3715192, MONDO:0014157, OMIM 615381.
POLD1-related polyposis and colorectal cancer syndrome (CRCS10). Also called: Colorectal cancer 10; COLORECTAL CANCER, SUSCEPTIBILITY TO, ON CHROMOSOME 19q; Colorectal cancer, susceptibility to, 10. Identifiers: Orphanet 220460, MedGen C2675481, MONDO:0012953, OMIM 612591.
POLD1-related disorder. Also called: POLD1-related condition; POLD1-related disorders.

Allele frequency attached by ClinVar (database versions not stated): ExAC below 0.00001; gnomAD exomes 0.00001 and 0.00002; gnomAD 0.00006 and 0.00007; ESP Exome Variant Server 0.00008; TOPMed 0.00009; 1000 Genomes Project 0.00020; 1000 Genomes Project 30x 0.00047.
gnomAD v4.1: 22 of 1,545,698 alleles (0.0014%); highest among the groups gnomAD compares: African/African-American, 0.025%; no homozygotes.

Submissions (6):

Labcorp Genetics (formerly Invitae), Labcorp
Classification: Uncertain significance for POLD1-related polyposis and colorectal cancer syndrome. Last evaluated: 2026-01-06. Review status: criteria provided, single submitter. Criteria: Invitae Variant Classification Sherloc (09022015). Collection method: clinical testing. Allele origin: germline.
Comment: This sequence change replaces isoleucine, which is neutral and non-polar, with threonine, which is neutral and polar, at codon 1013 of the POLD1 protein (p.Ile1013Thr). This variant is present in population databases (rs368439344, gnomAD 0.04%). This variant has not been reported in the literature in individuals affected with POLD1-related conditions. ClinVar contains an entry for this variant (Variation ID: 469322). Invitae Evidence Modeling of protein sequence and biophysical properties (such as structural, functional, and spatial information, amino acid conservation, physicochemical variation, residue mobility, and thermodynamic stability) has been performed for this missense variant. However, the output from this modeling did not meet the statistical confidence thresholds required to predict the impact of this variant on POLD1 protein function. In summary, the available evidence is currently insufficient to determine the role of this variant in disease. Therefore, it has been classified as a Variant of Uncertain Significance.

GeneDx
Classification: Uncertain significance. Last evaluated: 2025-03-17. Review status: criteria provided, single submitter. Criteria: GeneDx Variant Classification Process June 2021. Collection method: clinical testing. Allele origin: germline. Affected: yes.
Comment: In silico analysis supports that this missense variant has a deleterious effect on protein structure/function; Has not been previously published as pathogenic or benign to our knowledge; This variant is associated with the following publications: (PMID: 29056344, 19296856)

Ambry Genetics
Classification: Uncertain significance for Hereditary cancer-predisposing syndrome. Last evaluated: 2025-01-07. Review status: criteria provided, single submitter. Criteria: Ambry Variant Classification Scheme 2023. Collection method: clinical testing. Allele origin: germline.
Comment: The p.I1013T variant (also known as c.3038T>C), located in coding exon 23 of the POLD1 gene, results from a T to C substitution at nucleotide position 3038. The isoleucine at codon 1013 is replaced by threonine, an amino acid with similar properties. This amino acid position is highly conserved in available vertebrate species. In addition, this alteration is predicted to be tolerated by in silico analysis. Based on the available evidence, the clinical significance of this variant remains unclear.

PreventionGenetics, part of Exact Sciences
Classification: Uncertain significance for POLD1-related condition. Last evaluated: 2023-01-25. Review status: criteria provided, single submitter. Criteria: ACMG Guidelines, 2015. Collection method: clinical testing. Allele origin: germline.
Comment: The POLD1 c.3038T>C variant is predicted to result in the amino acid substitution p.Ile1013Thr. This variant is reported in 0.037% of alleles in individuals of African descent in gnomAD. In ClinVar, this variant is interpreted as uncertain. Although we suspect that this variant may be benign, at this time, the clinical significance of this variant is uncertain due to the absence of conclusive functional and genetic evidence.

Fulgent Genetics
Classification: Uncertain significance for POLD1-related polyposis and colorectal cancer syndrome; Mandibular hypoplasia-deafness-progeroid syndrome. Last evaluated: 2021-10-19. Review status: criteria provided, single submitter. Criteria: ACMG Guidelines, 2015. Collection method: clinical testing. Allele origin: unknown.

Quest Diagnostics Nichols Institute San Juan Capistrano
Classification: Uncertain significance. Last evaluated: 2020-02-28. Review status: criteria provided, single submitter. Criteria: Quest Diagnostics criteria. Collection method: clinical testing. Allele origin: unknown.

Literature cited by the submitters: PubMed 29056344 (cited by Quest Diagnostics Nichols Institute San Juan Capistrano).